The following is an entry in ClinVar:

ClinVar aggregate classification (germline): Uncertain significance (1 of 4 stars; one submission).

Conditions:
Arrhythmogenic cardiomyopathy with wooly hair and keratoderma. Also called: Carvajal syndrome; PALMOPLANTAR KERATODERMA WITH LEFT VENTRICULAR CARDIOMYOPATHY AND WOOLLY HAIR; Dilated cardiomyopathy with woolly hair and keratoderma; Arrhythmogenic cardiomyopathy with woolly hair and keratoderma. Identifiers: Orphanet 65282, MedGen C1854063, MONDO:0011581, OMIM 605676.

Allele frequency attached by ClinVar (database versions not stated): gnomAD exomes below 0.00001; ExAC 0.00001.

Submission:

All of Us Research Program, National Institutes of Health
Classification: Uncertain significance for Arrhythmogenic cardiomyopathy with wooly hair and keratoderma. Last evaluated: 2023-04-03. Review status: criteria provided, single submitter. Criteria: ACMG Guidelines, 2015. Collection method: clinical testing. Allele origin: germline. Inheritance: Autosomal dominant inheritance. Observed: 1 variant allele, 1 heterozygote.
Comment: This missense variant replaces glutamine with histidine at codon 1936 of the DSP protein. Computational prediction suggests that this variant may not impact protein structure and function (internally defined REVEL score threshold <= 0.5, PMID: 27666373). To our knowledge, functional studies have not been reported for this variant. This variant has not been reported in individuals affected with DSP-related disorders in the literature. This variant has been identified in 1/250530 chromosomes in the general population by the Genome Aggregation Database (gnomAD). The available evidence is insufficient to determine the role of this variant in disease conclusively. Therefore, this variant is classified as a Variant of Uncertain Significance.

This study involves interpretation of variants in research participants for the purpose of population health screening. Participant phenotype was not available at the time of variant classification. Additional details can be found in publication PMID: 35346344, PMCID: PMC8962531

NM_004415.4(DSP):c.5808G>C (p.Gln1936His)

Gene: DSP (desmoplakin; plus strand). Cytogenetic location: 6p24.3.
Variant type: single nucleotide variant.
Coding change: c.5808G>C on transcript NM_004415.4 (MANE Select); coding-DNA position 5808, G replaced by C.
Protein change: p.Gln1936His; replaces glutamine 1936 with histidine.
Molecular consequence: missense variant.
Genome position (GRCh38, 1-based): chr6:7,583,070, G>C. VCF-style: chr6-7583070-G-C. GRCh37 (hg19) VCF-style: chr6-7583303-G-C.
Other names: c.4011G>C, p.Gln1337His (NM_001008844.3); c.4479G>C, p.Gln1493His (NM_001319034.2); short protein forms Q1337H, Q1493H, Q1936H.
Identifiers: ClinVar variation 3070068 (VCV003070068.1), dbSNP rs769981060, ClinGen allele CA045802.
Genomic context (GRCh38, chr6:7,583,070, plus strand): 5'-GCTGGAGGATTCTACCAGGGAGACACAGTCACAGTTAGAAACAGAACGCTCCCGATATCA[G>C]AGGGAGATTGATAAACTCAGACAGCGCCCATATGGGTCCCATCGAGAGACCCAGACTGAG-3'
Protein context (NP_004406.2, residues 1926-1946): SQLETERSRY[Gln1936His]REIDKLRQRP